The following is an entry in ClinVar:

NM_001008537.3(NEXMIF):c.2898dup (p.Cys967fs)

Gene: NEXMIF (neurite extension and migration factor; minus strand). Cytogenetic location: Xq13.3.
Variant type: Duplication.
Coding change: c.2898dup on transcript NM_001008537.3 (MANE Select); coding-DNA position 2898, one base duplicated (A; older notation c.2898dupA).
Protein change: p.Cys967fs; shifts the reading frame from cysteine 967.
Molecular consequence: frameshift variant.
Genome position (GRCh38, 1-based): chrX:74,741,659, T duplicated on the plus strand (A on the coding strand, the reverse complement: NEXMIF is on the minus strand). VCF-style (leftmost placement, unchanged base first): chrX-74741658-A-AT. GRCh37 (hg19) VCF-style: chrX-73961493-A-AT.
Other names: short protein forms C967fs.
Identifiers: ClinVar variation 854485 (VCV000854485.7), dbSNP rs2080104332, ClinGen allele CA916083971.

ClinVar aggregate classification (germline): Pathogenic (1 of 4 stars; one submission).

Submission:

Labcorp Genetics (formerly Invitae), Labcorp
Classification: Pathogenic. Last evaluated: 2023-11-10. Review status: criteria provided, single submitter. Criteria: Invitae Variant Classification Sherloc (09022015). Collection method: clinical testing. Allele origin: germline.
Comment: This sequence change creates a premature translational stop signal (p.Cys967Metfs*4) in the NEXMIF gene. It is expected to result in an absent or disrupted protein product. Loss-of-function variants in NEXMIF are known to be pathogenic (PMID: 23615299). This variant is not present in population databases (gnomAD no frequency). This variant has not been reported in the literature in individuals affected with NEXMIF-related conditions. ClinVar contains an entry for this variant (Variation ID: 854485). For these reasons, this variant has been classified as Pathogenic.

Literature cited by the submitters: PubMed 23615299.